The following is an entry in ClinVar:

ClinVar aggregate classification (germline): Uncertain significance (1 of 4 stars; one submission).

Allele frequency attached by ClinVar (database versions not stated): gnomAD exomes below 0.00001.

Submission:

Labcorp Genetics (formerly Invitae), Labcorp
Classification: Uncertain significance. Last evaluated: 2024-11-11. Review status: criteria provided, single submitter. Criteria: Invitae Variant Classification Sherloc (09022015). Collection method: clinical testing. Allele origin: germline.
Comment: This sequence change replaces threonine, which is neutral and polar, with alanine, which is neutral and non-polar, at codon 382 of the IRF2BP2 protein (p.Thr382Ala). This variant is present in population databases (no rsID available, gnomAD 0.003%). This variant has not been reported in the literature in individuals affected with IRF2BP2-related conditions. ClinVar contains an entry for this variant (Variation ID: 1483801). An algorithm developed to predict the effect of missense changes on protein structure and function (PolyPhen-2) suggests that this variant is likely to be disruptive. In summary, the available evidence is currently insufficient to determine the role of this variant in disease. Therefore, it has been classified as a Variant of Uncertain Significance.

NM_182972.3(IRF2BP2):c.1144A>G (p.Thr382Ala)

Gene: IRF2BP2 (interferon regulatory factor 2 binding protein 2; minus strand). Cytogenetic location: 1q42.3.
Variant type: single nucleotide variant.
Coding change: c.1144A>G on transcript NM_182972.3 (MANE Select); coding-DNA position 1144, A replaced by G.
Protein change: p.Thr382Ala; replaces threonine 382 with alanine.
Molecular consequence: missense variant.
Genome position (GRCh38, 1-based): chr1:234,607,757, T>C on the plus strand (A>G on the coding strand, the complement: IRF2BP2 is on the minus strand). VCF-style: chr1-234607757-T-C. GRCh37 (hg19) VCF-style: chr1-234743503-T-C.
Other names: c.1096A>G, p.Thr366Ala (NM_001077397.1); short protein forms T366A, T382A.
Identifiers: ClinVar variation 1483801 (VCV001483801.8), dbSNP rs1242839412, ClinGen allele CA345306949.
Genomic context (GRCh38, chr1:234,607,757, plus strand): 5'-GTGGCGGAGACACAAAAGAGGATGTAGGAGTCATGGGGATCTTGAGCCCCTCTGTGGATG[T>C]GGACAGCCACGGCTGGGCCTCTCCGTTGATCTTAGGGGGCCCGACTTCACCTTCTGGTTC-3'
Protein context (NP_892017.2, residues 372-392): INGEAQPWLS[Thr382Ala]STEGLKIPMT